The following is an entry in ClinVar:

NM_015021.3(ZNF292):c.2590A>C (p.Asn864His)

Gene: ZNF292 (zinc finger protein 292; plus strand). Cytogenetic location: 6q14.3.
Variant type: single nucleotide variant.
Coding change: c.2590A>C on transcript NM_015021.3 (MANE Select); coding-DNA position 2590, A replaced by C.
Protein change: p.Asn864His; replaces asparagine 864 with histidine.
Molecular consequence: missense variant.
Genome position (GRCh38, 1-based): chr6:87,256,219, A>C. VCF-style: chr6-87256219-A-C. GRCh37 (hg19) VCF-style: chr6-87965937-A-C.
Other names: c.2170A>C, p.Asn724His (NM_001351444.2); short protein forms N724H, N864H.
Identifiers: ClinVar variation 4535323 (VCV004535323.6).

ClinVar aggregate classification (germline): Uncertain significance (1 of 4 stars; one submission).

Submission:

CeGaT Center for Human Genetics Tuebingen
Classification: Uncertain significance. Last evaluated: 2025-11-01. Review status: criteria provided, single submitter. Criteria: CeGaT Center For Human Genetics Tuebingen Variant Classification Criteria Version 2. Collection method: clinical testing. Allele origin: germline. Affected: yes. Observed: 1 variant allele.
Comment: ZNF292: PM2, BP4